The following is an entry in ClinVar:

NM_001649.4(SHROOM2):c.1827G>A (p.Pro609=)

Gene: SHROOM2 (shroom family member 2; plus strand). Cytogenetic location: Xp22.2.
Variant type: single nucleotide variant.
Coding change: c.1827G>A on transcript NM_001649.4 (MANE Select); coding-DNA position 1827, G replaced by A.
Protein change: p.Pro609=; no amino-acid change (proline 609 retained).
Molecular consequence: synonymous variant.
Genome position (GRCh38, 1-based): chrX:9,895,735, G>A. VCF-style: chrX-9895735-G-A. GRCh37 (hg19) VCF-style: chrX-9863775-G-A.
Identifiers: ClinVar variation 3033393 (VCV003033393.2), dbSNP rs367727332, ClinGen allele CA10345459.

ClinVar aggregate classification (germline): Likely benign (0 of 4 stars; one submission).

Conditions:
SHROOM2-related disorder. Also called: SHROOM2-related condition.

Allele frequency attached by ClinVar (database versions not stated): gnomAD 0.00005; gnomAD exomes 0.00008; ESP Exome Variant Server 0.00009; TOPMed 0.00013; ExAC 0.00057.
gnomAD v4.1: 91 of 1,195,195 alleles (0.0076%); highest among the groups gnomAD compares: Admixed American, 0.12%; no homozygotes.

Submission:

PreventionGenetics, part of Exact Sciences
Classification: Likely benign for SHROOM2-related condition. Last evaluated: 2019-06-12. Review status: no assertion criteria provided. Collection method: clinical testing. Allele origin: germline.
Comment: This variant is classified as likely benign based on ACMG/AMP sequence variant interpretation guidelines (Richards et al. 2015 PMID: 25741868, with internal and published modifications).